The following is an entry in ClinVar:

NM_015450.3(POT1):c.1488A>T (p.Gly496=)

Gene: POT1 (protection of telomeres 1; minus strand). Cytogenetic location: 7q31.33.
Variant type: single nucleotide variant.
Coding change: c.1488A>T on transcript NM_015450.3 (MANE Select); coding-DNA position 1488, A replaced by T.
Protein change: p.Gly496=; no amino-acid change (glycine 496 retained).
Molecular consequence: synonymous variant. On other transcripts: non-coding transcript variant (3).
Genome position (GRCh38, 1-based): chr7:124,835,296, T>A on the plus strand (A>T on the coding strand, the complement: POT1 is on the minus strand). VCF-style: chr7-124835296-T-A. GRCh37 (hg19) VCF-style: chr7-124475350-T-A.
Other names: c.1095A>T, p.Gly365= (NM_001042594.2).
Identifiers: ClinVar variation 3729900 (VCV003729900.2).

ClinVar aggregate classification (germline): Uncertain significance (1 of 4 stars; one submission).

Conditions:
Tumor predisposition syndrome 3 (TPDS3). Also called: Glioma susceptibility 9; LONG TELOMERE SYNDROME, POT1-RELATED; POT1 Tumor Predisposition; Melanoma, cutaneous malignant, susceptibility to, 10. Identifiers: Orphanet 618, MedGen C4014476, MONDO:0014368, OMIM 615848.

Submission:

Labcorp Genetics (formerly Invitae), Labcorp
Classification: Uncertain significance for Tumor predisposition syndrome 3. Last evaluated: 2025-02-02. Review status: criteria provided, single submitter. Criteria: Invitae Variant Classification Sherloc (09022015). Collection method: clinical testing. Allele origin: germline.
Comment: This sequence change affects codon 496 of the POT1 mRNA. It is a 'silent' change, meaning that it does not change the encoded amino acid sequence of the POT1 protein. This variant is not present in population databases (gnomAD no frequency). This variant has not been reported in the literature in individuals affected with POT1-related conditions. Algorithms developed to predict the effect of sequence changes on RNA splicing suggest that this variant may disrupt the consensus splice site. In summary, the available evidence is currently insufficient to determine the role of this variant in disease. Therefore, it has been classified as a Variant of Uncertain Significance.